The following is an entry in ClinVar:

NM_018426.3(TMEM63B):c.1317C>T (p.Val439=)

Gene: TMEM63B (transmembrane protein 63B; plus strand). Cytogenetic location: 6p21.1.
Variant type: single nucleotide variant.
Coding change: c.1317C>T on transcript NM_018426.3 (MANE Select); coding-DNA position 1317, C replaced by T.
Protein change: p.Val439=; no amino-acid change (valine 439 retained).
Molecular consequence: synonymous variant.
Genome position (GRCh38, 1-based): chr6:44,148,849, C>T. VCF-style: chr6-44148849-C-T. GRCh37 (hg19) VCF-style: chr6-44116586-C-T.
Other names: c.1317C>T, p.Val439= (NM_001318792.1).
Identifiers: ClinVar variation 4873688 (VCV004873688.2).
Genomic context (GRCh38, chr6:44,148,849, plus strand): 5'-CAGGGAGCACCTCTCCATCCGAGGCTTCATCTGGTGGCTGCGCTGCCTGGTCATCAATGT[C>T]GTCCTCTTCATCCTCCTCTTCTTCCTCACCACTCCAGCCATCATCATCACCACCATGGAC-3'
Protein context (NP_060896.1, residues 429-449): IWWLRCLVIN[Val439=]VLFILLFFLT

ClinVar aggregate classification (germline): Likely benign (1 of 4 stars; one submission).

gnomAD v4.1: 35 of 1,614,158 alleles (0.0022%); highest among the groups gnomAD compares: South Asian, 0.0044%; no homozygotes.

Submission:

CeGaT Center for Human Genetics Tuebingen
Classification: Likely benign. Last evaluated: 2026-06-01. Review status: criteria provided, single submitter. Criteria: CeGaT Center For Human Genetics Tuebingen Variant Classification Criteria Version 2. Collection method: clinical testing. Allele origin: germline. Affected: yes. Observed: 1 variant allele.
Comment: TMEM63B: BP4, BP7